The following is an entry in ClinVar:

NM_198586.3(NHLRC1):c.215G>A (p.Arg72Lys)

Gene: NHLRC1 (NHL repeat containing E3 ubiquitin protein ligase 1; minus strand). Cytogenetic location: 6p22.3.
Variant type: single nucleotide variant.
Coding change: c.215G>A on transcript NM_198586.3 (MANE Select); coding-DNA position 215, G replaced by A.
Protein change: p.Arg72Lys; replaces arginine 72 with lysine.
Molecular consequence: missense variant.
Genome position (GRCh38, 1-based): chr6:18,122,392, C>T on the plus strand (G>A on the coding strand, the complement: NHLRC1 is on the minus strand). VCF-style: chr6-18122392-C-T. GRCh37 (hg19) VCF-style: chr6-18122623-C-T.
Other names: short protein forms R72K.
Identifiers: ClinVar variation 652203 (VCV000652203.9), dbSNP rs1582030466, ClinGen allele CA362829290.
Genomic context (GRCh38, chr6:18,122,392, plus strand): 5'-AGCTCTATGAGGTGCAGCACCGGCAGGCAGTCGCTGGTGTCGCAGCCCCGGCAAGCTCGC[C>T]TGCAGAATGGGCACTCGAGGGCCAGAGTGCGCGGGTGCGCCAGGGCGGCCACGCAGGCCA-3'
Protein context (NP_940988.2, residues 62-82): RTLALECPFC[Arg72Lys]RACRGCDTSD

ClinVar aggregate classification (germline): Uncertain significance (1 of 4 stars; one submission).

Conditions:
Lafora disease. Also called: Epilepsy progressive myoclonic 2; Progressive Myoclonus Epilepsy, Lafora Type. Identifiers: Orphanet 501, MedGen C0751783, MONDO:0009697.

Submission:

Labcorp Genetics (formerly Invitae), Labcorp
Classification: Uncertain significance for Lafora disease. Last evaluated: 2020-02-24. Review status: criteria provided, single submitter. Criteria: Invitae Variant Classification Sherloc (09022015). Collection method: clinical testing. Allele origin: germline.
Comment: In summary, the available evidence is currently insufficient to determine the role of this variant in disease. Therefore, it has been classified as a Variant of Uncertain Significance. Algorithms developed to predict the effect of missense changes on protein structure and function (SIFT, PolyPhen-2, Align-GVGD) all suggest that this variant is likely to be disruptive, but these predictions have not been confirmed by published functional studies and their clinical significance is uncertain. This variant has not been reported in the literature in individuals with NHLRC1-related disease. This variant is not present in population databases (ExAC no frequency). This sequence change replaces arginine with lysine at codon 72 of the NHLRC1 protein (p.Arg72Lys). The arginine residue is highly conserved and there is a small physicochemical difference between arginine and lysine.